The following is an entry in ClinVar:

NM_020631.6(PLEKHG5):c.2250-13C>T

Gene: PLEKHG5 (pleckstrin homology and RhoGEF domain containing G5; minus strand). Cytogenetic location: 1p36.31.
Variant type: single nucleotide variant.
Coding change: c.2250-13C>T on transcript NM_020631.6 (MANE Select); 13 bases into the intron before coding-DNA position 2250, C replaced by T.
Molecular consequence: intron variant.
Genome position (GRCh38, 1-based): chr1:6,468,599, G>A on the plus strand (C>T on the coding strand, the complement: PLEKHG5 is on the minus strand). VCF-style: chr1-6468599-G-A. GRCh37 (hg19) VCF-style: chr1-6528659-G-A.
Other names: c.2250-13C>T (NM_198681.4, NM_001265594.3, NM_001042664.2 and 1 more transcripts); c.2361-13C>T (NM_001042663.3, NM_001265592.2); c.2457-13C>T (NM_001265593.2).
Identifiers: ClinVar variation 513202 (VCV000513202.10), dbSNP rs547780813, ClinGen allele CA561199.

ClinVar aggregate classification (germline): Benign/Likely benign. Review status: criteria provided, multiple submitters, no conflicts (2 of 4 stars). 3 submissions from 3 submitters: Benign (1); Likely benign (2). Last evaluated 2026-02-02.

Conditions:
Neuronopathy, distal hereditary motor, autosomal recessive 4. Also called: NEUROPATHY, DISTAL HEREDITARY MOTOR, AUTOSOMAL RECESSIVE 4; Autosomal recessive lower motor neuron disease with childhood onset. Identifiers: Orphanet 206580, MedGen C1970211, MONDO:0012608, OMIM 611067.
Charcot-Marie-Tooth disease recessive intermediate C. Also called: CHARCOT-MARIE-TOOTH NEUROPATHY, RECESSIVE INTERMEDIATE C. Identifiers: Orphanet 369867, MedGen C3809309, MONDO:0014154, OMIM 615376.

Allele frequency attached by ClinVar (database versions not stated): gnomAD 0.00001 and 0.00008; TOPMed 0.00001; gnomAD exomes 0.00039; ExAC 0.00051; 1000 Genomes Project 0.00120; 1000 Genomes Project 30x 0.00141.

Submissions (3):

Labcorp Genetics (formerly Invitae), Labcorp
Classification: Benign for Neuronopathy, distal hereditary motor, autosomal recessive 4; Charcot-Marie-Tooth disease recessive intermediate C. Last evaluated: 2026-02-02. Review status: criteria provided, single submitter. Criteria: Invitae Variant Classification Sherloc (09022015). Collection method: clinical testing. Allele origin: germline.

Blueprint Genetics
Classification: Likely benign. Last evaluated: 2023-12-04. Review status: criteria provided, single submitter. Criteria: ACMG Guidelines, 2015. Collection method: clinical testing. Allele origin: germline.

GeneDx
Classification: Likely benign. Last evaluated: 2017-11-09. Review status: criteria provided, single submitter. Criteria: GeneDx Variant Classification (06012015). Collection method: clinical testing. Allele origin: germline. Affected: yes.
Comment: This variant is considered likely benign or benign based on one or more of the following criteria: it is a conservative change, it occurs at a poorly conserved position in the protein, it is predicted to be benign by multiple in silico algorithms, and/or has population frequency not consistent with disease.